The following is an entry in ClinVar:

NM_017570.5(OPLAH):c.144C>G (p.Thr48=)

Gene: OPLAH (5-oxoprolinase, ATP-hydrolysing; minus strand). Cytogenetic location: 8q24.3.
Variant type: single nucleotide variant.
Coding change: c.144C>G on transcript NM_017570.5 (MANE Select); coding-DNA position 144, C replaced by G.
Protein change: p.Thr48=; no amino-acid change (threonine 48 retained).
Molecular consequence: synonymous variant.
Genome position (GRCh38, 1-based): chr8:144,059,889, G>C on the plus strand (C>G on the coding strand, the complement: OPLAH is on the minus strand). VCF-style: chr8-144059889-G-C. GRCh37 (hg19) VCF-style: chr8-145114792-G-C.
Identifiers: ClinVar variation 4995987 (VCV004995987.1).

ClinVar aggregate classification (germline): Likely benign (1 of 4 stars; one submission).

Conditions:
OPLAH-related disorder. Also called: OPLAH-related condition.

gnomAD v4.1: 2 of 1,612,754 alleles (0.00012%); highest among the groups gnomAD compares: Non-Finnish European, 0.00017%; no homozygotes.

Submission:

PreventionGenetics, part of Exact Sciences
Classification: Likely benign for OPLAH-related condition. Last evaluated: 2025-09-24. Review status: criteria provided, single submitter. Criteria: ACMG Guidelines, 2015. Collection method: clinical testing. Allele origin: germline.
Comment: This variant is classified as likely benign based on ACMG/AMP sequence variant interpretation guidelines (Richards et al. 2015 PMID: 25741868, with internal and published modifications).